The following is an entry in ClinVar:

ClinVar aggregate classification (germline): Likely benign. Review status: criteria provided, single submitter (1 of 4 stars). 2 submissions from 2 submitters: Likely benign (1). 1 of the submissions does not count toward it. Last evaluated 2021-11-01.

Conditions:
ERC1-related disorder. Also called: ERC1-related condition.

Allele frequency attached by ClinVar (database versions not stated): ExAC 0.00002; gnomAD exomes 0.00004 and 0.00013; TOPMed 0.00006; gnomAD 0.00007; ESP Exome Variant Server 0.00023.
gnomAD v4.1: 205 of 1,614,104 alleles (0.013%); highest among the groups gnomAD compares: Non-Finnish European, 0.016%; 1 homozygote.

Submissions (2):

CeGaT Center for Human Genetics Tuebingen
Classification: Likely benign. Last evaluated: 2021-11-01. Review status: criteria provided, single submitter. Criteria: CeGaT Center For Human Genetics Tuebingen Variant Classification Criteria Version 2. Collection method: clinical testing. Allele origin: germline. Affected: yes. Observed: 1 variant allele.

PreventionGenetics, part of Exact Sciences
Classification: Likely benign for ERC1-related condition. Last evaluated: 2019-09-05. Review status: no assertion criteria provided. Collection method: clinical testing. Allele origin: germline. Not counted in ClinVar's aggregate classification.
Comment: This variant is classified as likely benign based on ACMG/AMP sequence variant interpretation guidelines (Richards et al. 2015 PMID: 25741868, with internal and published modifications).

NM_178040.4(ERC1):c.297T>G (p.Pro99=)

Gene: ERC1 (ELKS/RAB6-interacting/CAST family member 1; plus strand). Cytogenetic location: 12p13.33.
Variant type: single nucleotide variant.
Coding change: c.297T>G on transcript NM_178040.4 (MANE Select); coding-DNA position 297, T replaced by G.
Protein change: p.Pro99=; no amino-acid change (proline 99 retained).
Molecular consequence: synonymous variant. On other transcripts: non-coding transcript variant (3).
Genome position (GRCh38, 1-based): chr12:1,028,200, T>G. VCF-style: chr12-1028200-T-G. GRCh37 (hg19) VCF-style: chr12-1137366-T-G.
Other names: c.297T>G, p.Pro99= (NM_001301248.1, NM_178039.4); c.297T>G (NM_178040.3).
Identifiers: ClinVar variation 1335091 (VCV001335091.36), dbSNP rs146174236, ClinGen allele CA6384224.